The following is an entry in ClinVar:

ClinVar aggregate classification (germline): Uncertain significance (1 of 4 stars; one submission).

Conditions:
Severe combined immunodeficiency due to DCLRE1C deficiency (RS-SCID). Also called: SCID, AUTOSOMAL RECESSIVE, T CELL-NEGATIVE, B CELL-NEGATIVE, NK CELL-POSITIVE, WITH SENSITIVITY TO IONIZING RADIATION. Identifiers: Orphanet 275, MedGen C1865371, MONDO:0011225, OMIM 602450.

Submission:

Labcorp Genetics (formerly Invitae), Labcorp
Classification: Uncertain significance for Athabaskan severe combined immunodeficiency. Last evaluated: 2024-10-20. Review status: criteria provided, single submitter. Criteria: Invitae Variant Classification Sherloc (09022015). Collection method: clinical testing. Allele origin: germline.
Comment: This sequence change replaces leucine, which is neutral and non-polar, with valine, which is neutral and non-polar, at codon 59 of the DCLRE1C protein (p.Leu59Val). This variant is not present in population databases (gnomAD no frequency). This variant has not been reported in the literature in individuals affected with DCLRE1C-related conditions. Invitae Evidence Modeling of protein sequence and biophysical properties (such as structural, functional, and spatial information, amino acid conservation, physicochemical variation, residue mobility, and thermodynamic stability) has been performed for this missense variant. However, the output from this modeling did not meet the statistical confidence thresholds required to predict the impact of this variant on DCLRE1C protein function. In summary, the available evidence is currently insufficient to determine the role of this variant in disease. Therefore, it has been classified as a Variant of Uncertain Significance.

NM_001033855.3(DCLRE1C):c.175C>G (p.Leu59Val)

Gene: DCLRE1C (DNA cross-link repair 1C; minus strand). Cytogenetic location: 10p13.
Variant type: single nucleotide variant.
Coding change: c.175C>G on transcript NM_001033855.3 (MANE Select); coding-DNA position 175, C replaced by G.
Protein change: p.Leu59Val; replaces leucine 59 with valine.
Molecular consequence: missense variant. On other transcripts: 5 prime UTR variant (8), non-coding transcript variant (4), intron variant (1).
Genome position (GRCh38, 1-based): chr10:14,945,176, G>C on the plus strand (C>G on the coding strand, the complement: DCLRE1C is on the minus strand). VCF-style: chr10-14945176-G-C. GRCh37 (hg19) VCF-style: chr10-14987175-G-C.
Other names: c.-186C>G (NM_001350967.2, NM_001033857.3, NM_001289077.2); c.-115C>G (NM_022487.4, NM_001289078.2, NM_001350966.2); c.-44+3860C>G (NM_001289076.2); c.-508C>G (NM_001033858.3, NM_001289079.2); c.175C>G, p.Leu59Val (NM_001350965.2); short protein forms L59V.
Identifiers: ClinVar variation 3674200 (VCV003674200.2).